The following is an entry in ClinVar:

ClinVar aggregate classification (germline): Uncertain significance. Review status: criteria provided, multiple submitters, no conflicts (2 of 4 stars). 4 submissions from 4 submitters: Uncertain significance (4). Last evaluated 2024-07-05.

Conditions:
Neuronal ceroid lipofuscinosis. Also called: Neuronal Ceroid Lipofuscinoses. Identifiers: Orphanet 216, Orphanet 79263, MedGen C0027877, MONDO:0016295. Disease mechanism: loss of function.
Inborn genetic diseases. Identifiers: MedGen C0950123, MeSH D030342.

Allele frequency attached by ClinVar (database versions not stated): ExAC 0.00001; gnomAD exomes 0.00001; gnomAD 0.00002; TOPMed 0.00005; ESP Exome Variant Server 0.00008.
gnomAD v4.1: 6 of 1,613,304 alleles (0.00037%); highest among the groups gnomAD compares: African/African-American, 0.0053%; no homozygotes.

Submissions (4):

GeneDx
Classification: Uncertain significance. Last evaluated: 2024-07-05. Review status: criteria provided, single submitter. Criteria: GeneDx Variant Classification Process June 2021. Collection method: clinical testing. Allele origin: germline. Affected: yes.
Comment: Not observed at significant frequency in large population cohorts (gnomAD); In silico analysis indicates that this missense variant does not alter protein structure/function; Has not been previously published as pathogenic or benign to our knowledge

Ambry Genetics
Classification: Uncertain significance for Inborn genetic diseases. Last evaluated: 2024-03-15. Review status: criteria provided, single submitter. Criteria: Ambry Variant Classification Scheme 2023. Collection method: clinical testing. Allele origin: germline.

Blueprint Genetics
Classification: Uncertain significance. Last evaluated: 2024-01-12. Review status: criteria provided, single submitter. Criteria: ACMG Guidelines, 2015. Collection method: clinical testing. Allele origin: germline.

Labcorp Genetics (formerly Invitae), Labcorp
Classification: Uncertain significance for Neuronal ceroid lipofuscinosis. Last evaluated: 2022-03-27. Review status: criteria provided, single submitter. Criteria: Invitae Variant Classification Sherloc (09022015). Collection method: clinical testing. Allele origin: germline.
Comment: This sequence change replaces valine, which is neutral and non-polar, with leucine, which is neutral and non-polar, at codon 32 of the CLN6 protein (p.Val32Leu). This variant is present in population databases (rs369041224, gnomAD 0.01%). This variant has not been reported in the literature in individuals affected with CLN6-related conditions. ClinVar contains an entry for this variant (Variation ID: 1044313). Algorithms developed to predict the effect of missense changes on protein structure and function (SIFT, PolyPhen-2, Align-GVGD) all suggest that this variant is likely to be tolerated. In summary, the available evidence is currently insufficient to determine the role of this variant in disease. Therefore, it has been classified as a Variant of Uncertain Significance.

NM_017882.3(CLN6):c.94G>C (p.Val32Leu)

Gene: CLN6 (CLN6 transmembrane ER protein; minus strand). Cytogenetic location: 15q23.
Variant type: single nucleotide variant.
Coding change: c.94G>C on transcript NM_017882.3 (MANE Select); coding-DNA position 94, G replaced by C.
Protein change: p.Val32Leu; replaces valine 32 with leucine.
Molecular consequence: missense variant.
Genome position (GRCh38, 1-based): chr15:68,218,640, C>G on the plus strand (G>C on the coding strand, the complement: CLN6 is on the minus strand). VCF-style: chr15-68218640-C-G. GRCh37 (hg19) VCF-style: chr15-68510978-C-G.
Other names: short protein forms V32L.
Identifiers: ClinVar variation 1044313 (VCV001044313.7), dbSNP rs369041224, ClinGen allele CA7630714.